The following is an entry in ClinVar:

ClinVar aggregate classification (germline): Uncertain significance. Review status: criteria provided, multiple submitters, no conflicts (2 of 4 stars). 2 submissions from 2 submitters: Uncertain significance (2). Last evaluated 2025-01-19.

Conditions:
Primary ciliary dyskinesia. Also called: Ciliary dyskinesia. Identifiers: Orphanet 244, MedGen C0008780, MONDO:0016575, HP:0012265.

Allele frequency attached by ClinVar (database versions not stated): gnomAD 0.00002 and 0.00001; gnomAD exomes 0.00004 and 0.00001; TOPMed 0.00003.
gnomAD v4.1: 60 of 1,613,248 alleles (0.0037%); highest among the groups gnomAD compares: Non-Finnish European, 0.005%; no homozygotes.

Submissions (2):

Ambry Genetics
Classification: Uncertain significance for Primary ciliary dyskinesia. Last evaluated: 2025-01-19. Review status: criteria provided, single submitter. Criteria: Ambry Variant Classification Scheme 2023. Collection method: clinical testing. Allele origin: germline.

Labcorp Genetics (formerly Invitae), Labcorp
Classification: Uncertain significance for Primary ciliary dyskinesia. Last evaluated: 2021-08-28. Review status: criteria provided, single submitter. Criteria: Invitae Variant Classification Sherloc (09022015). Collection method: clinical testing. Allele origin: germline.
Comment: This sequence change replaces serine with phenylalanine at codon 881 of the CCDC39 protein (p.Ser881Phe). The serine residue is weakly conserved and there is a large physicochemical difference between serine and phenylalanine. This variant is not present in population databases (ExAC no frequency). This variant has not been reported in the literature in individuals affected with CCDC39-related conditions. Algorithms developed to predict the effect of missense changes on protein structure and function are either unavailable or do not agree on the potential impact of this missense change (SIFT: "Deleterious"; PolyPhen-2: "Benign"; Align-GVGD: "Class C0"). In summary, the available evidence is currently insufficient to determine the role of this variant in disease. Therefore, it has been classified as a Variant of Uncertain Significance.

NM_181426.2(CCDC39):c.2642C>T (p.Ser881Phe)

Genes: TTC14 (tetratricopeptide repeat domain 14; plus strand), CCDC39 (coiled-coil domain 39 molecular ruler complex subunit; minus strand). Cytogenetic location: 3q26.33.
Variant type: single nucleotide variant.
Coding change: c.2642C>T on transcript NM_181426.2 (MANE Select); coding-DNA position 2642, C replaced by T.
Protein change: p.Ser881Phe; replaces serine 881 with phenylalanine.
Molecular consequence: missense variant. On other transcripts: intron variant (1).
Genome position (GRCh38, 1-based): chr3:180,616,308, G>A on the plus strand (C>T on the coding strand, the complement: CCDC39 is on the minus strand). VCF-style: chr3-180616308-G-A. GRCh37 (hg19) VCF-style: chr3-180334096-G-A.
Other names: c.1775-1072G>A (NM_001288582.2); short protein forms S881F.
Identifiers: ClinVar variation 1010335 (VCV001010335.10), dbSNP rs1015604911, ClinGen allele CA88626134.